The following is an entry in ClinVar:

ClinVar aggregate classification (germline): VUS-mid (1 of 4 stars; one submission).

Conditions:
Dilated cardiomyopathy 1DD (CMD1DD). Identifiers: Orphanet 154, MedGen C2750995, MONDO:0013168, OMIM 613172.

Submission:

Center for Molecular Medicine, Children’s Hospital of Fudan University
Classification: VUS-mid for Dilated cardiomyopathy 1DD. Last evaluated: 2025-12-12. Review status: criteria provided, single submitter. Criteria: ACMG Guidelines 2015. Collection method: clinical testing. Allele origin: unknown. Affected: yes.
Comment: PVS1_Moderate+PM2_Supp

NM_001134363.3(RBM20):c.2666G>A (p.Trp889Ter)

Gene: RBM20 (RNA binding motif protein 20; plus strand). Cytogenetic location: 10q25.2.
Variant type: single nucleotide variant.
Coding change: c.2666G>A on transcript NM_001134363.3 (MANE Select); coding-DNA position 2666, G replaced by A.
Protein change: p.Trp889Ter; replaces tryptophan 889 with a stop codon.
Molecular consequence: nonsense.
Genome position (GRCh38, 1-based): chr10:110,821,285, G>A. VCF-style: chr10-110821285-G-A. GRCh37 (hg19) VCF-style: chr10-112581043-G-A.
Other names: short protein forms W889*.
Identifiers: ClinVar variation 5037770 (VCV005037770.1).